The following is an entry in ClinVar:

ClinVar aggregate classification (germline): Uncertain significance (1 of 4 stars; one submission).

Conditions:
Spastic paraplegia. Identifiers: MedGen C0037772, HP:0001258.

Submission:

Labcorp Genetics (formerly Invitae), Labcorp
Classification: Uncertain significance for Spastic paraplegia. Last evaluated: 2022-07-26. Review status: criteria provided, single submitter. Criteria: Invitae Variant Classification Sherloc (09022015). Collection method: clinical testing. Allele origin: germline.
Comment: A copy number gain of the genomic region encompassing the full coding sequence of the ZFYVE26 gene has been identified. The boundaries of this event are unknown as they extend beyond the assayed region for this gene and therefore may encompass additional genes. As the precise location of this event is unknown, it may be in tandem or it may be located elsewhere in the genome. This variant has not been reported in the literature in individuals affected with ZFYVE26-related conditions. In summary, the available evidence is currently insufficient to determine the role of this variant in disease. Therefore, it has been classified as a Variant of Uncertain Significance.

NC_000014.8:g.(?_68145038)_(68282680_?)dup

Genes: RDH11 (retinol dehydrogenase 11; minus strand), RDH12 (retinol dehydrogenase 12; plus strand), ZFYVE26 (zinc finger FYVE-type containing 26; minus strand). Cytogenetic location: 14q24.1.
Variant type: Duplication.
Identifiers: ClinVar variation 1450594 (VCV001450594.4).